The following is an entry in ClinVar:

ClinVar aggregate classification (germline): Likely pathogenic (1 of 4 stars; one submission).

Conditions:
Hereditary cancer-predisposing syndrome. Also called: Neoplastic Syndromes, Hereditary; Tumor predisposition; Hereditary neoplastic syndrome; Hereditary Cancer Syndrome. Identifiers: Orphanet 140162, MedGen C0027672, MeSH D009386, MONDO:0015356.

gnomAD v4.1: 1 of 1,613,346 alleles (0.000062%); highest among the groups gnomAD compares: Non-Finnish European, 0.000085%; no homozygotes.

Submission:

Ambry Genetics
Classification: Likely pathogenic for Hereditary cancer-predisposing syndrome. Last evaluated: 2026-07-06. Review status: criteria provided, single submitter. Criteria: Ambry Variant Classification Scheme 2023. Collection method: clinical testing. Allele origin: germline.
Comment: The c.1027+1G>A intronic variant results from a G to A substitution one nucleotide after coding exon 9 of the SMARCE1 gene. This alteration occurs at the 3' terminus of the SMARCE1 gene, is not expected to trigger nonsense-mediated mRNA decay, and impacts the last 34% of the protein. The exact functional effect of this alteration is unknown; however, a significant portion of the protein is affected (Ambry internal data). This nucleotide position is highly conserved in available vertebrate species. In silico splice site analysis predicts that this alteration will weaken the native splice donor site and may result in the creation or strengthening of a novel splice donor site; however, direct evidence is insufficient at this time (Ambry internal data). This variant is considered to be rare based on population cohorts in the Genome Aggregation Database (gnomAD). Loss-of-function variants in SMARCE1 are known to cause increased risk of meningiomas; however, such associations with neurodevelopmental disorders are exceedingly rare (Kosho T et al. Am J Med Genet C Semin Med Genet. 2014 Sep;166C(3):262-75; Smith JM et al. Nat Genet. 2013 Mar;45(3):295-8). Based on the supporting evidence, this variant is likely pathogenic for an increased risk of meningiomas; however, the association of this variant with an increased risk of Coffin-Siris syndrome is unlikely.

NM_003079.5(SMARCE1):c.1027+1G>A

Gene: SMARCE1 (SWI/SNF related BAF chromatin remodeling complex subunit E1; minus strand). Cytogenetic location: 17q21.2.
Variant type: single nucleotide variant.
Coding change: c.1027+1G>A on transcript NM_003079.5 (MANE Select); the canonical splice donor site of the intron after coding-DNA position 1027, G replaced by A.
Molecular consequence: splice donor variant.
Genome position (GRCh38, 1-based): chr17:40,630,713, C>T on the plus strand (G>A on the coding strand, the complement: SMARCE1 is on the minus strand). VCF-style: chr17-40630713-C-T. GRCh37 (hg19) VCF-style: chr17-38786965-C-T.
Identifiers: ClinVar variation 5029965 (VCV005029965.1).
Genomic context (GRCh38, chr17:40,630,713, plus strand): 5'-AAATTAAAGACAGCCGTACAAAGTCTTGGCACTGCCTCTGCGTTTGTTGCTAGTGGGTTA[C>T]CTGTCTCCATCGGAATGTTCTCGTCGTCTTTCTTCTCCTCGCCTTTGTTAGCTGCTTGTT-3'